The following is an entry in ClinVar:

NM_006642.5(SDCCAG8):c.307-27TATT[3]

Gene: SDCCAG8 (SHH signaling and ciliogenesis regulator SDCCAG8; plus strand). Cytogenetic location: 1q43.
Variant type: Microsatellite.
Coding change: c.307-27TATT[3] on transcript NM_006642.5 (MANE Select); three copies in a row of the 4-base unit TATT starting at c.307-27.
Molecular consequence: intron variant.
Genome position: GRCh38 VCF-style: chr1-243274515-GTATT-G. GRCh37 (hg19) VCF-style: chr1-243437817-GTATT-G.
Other names: c.13-27TATT[3] (NM_001350249.2); c.-1067-27TATT[3] (NM_001350251.2); c.307-27TATT[3] (NM_001350248.2); c.-806-27TATT[3] (NM_001350246.2); c.-694-27TATT[3] (NM_001350247.2).
Identifiers: ClinVar variation 3059798 (VCV003059798.2), dbSNP rs771864549, ClinGen allele CA1483274.
Genomic context (GRCh38, chr1:243,274,515, plus strand): 5'-ACTGATTCTTTGCTAAATCCAAACATGCTTAATTTGGCTTTTTAAAATTTATGTATTTAT[GTATT>G]TATTTATTTATTTTTTGTCATAGAGGTCATTAGAACATGAGGAAACCAATATGCCTACTA-3'

ClinVar aggregate classification (germline): Likely benign (0 of 4 stars; one submission).

Conditions:
SDCCAG8-related disorder. Also called: SDCCAG8-Related Disorders; SDCCAG8-related condition.

Submission:

PreventionGenetics, part of Exact Sciences
Classification: Likely benign for SDCCAG8-related condition. Last evaluated: 2020-04-17. Review status: no assertion criteria provided. Collection method: clinical testing. Allele origin: germline.
Comment: This variant is classified as likely benign based on ACMG/AMP sequence variant interpretation guidelines (Richards et al. 2015 PMID: 25741868, with internal and published modifications).